The following is an entry in ClinVar:

NM_001148.6(ANK2):c.3839C>A (p.Thr1280Lys)

Gene: ANK2 (ankyrin 2; plus strand). Cytogenetic location: 4q26.
Variant type: single nucleotide variant.
Coding change: c.3839C>A on transcript NM_001148.6 (MANE Select); coding-DNA position 3839, C replaced by A.
Protein change: p.Thr1280Lys; replaces threonine 1280 with lysine.
Molecular consequence: missense variant.
Genome position (GRCh38, 1-based): chr4:113,339,268, C>A. VCF-style: chr4-113339268-C-A. GRCh37 (hg19) VCF-style: chr4-114260424-C-A.
Other names: c.3812C>A, p.Thr1271Lys (NM_001127493.3); c.3851C>A, p.Thr1284Lys (NM_001354225.2); c.3740C>A, p.Thr1247Lys (NM_001354228.2, NM_001354258.2); c.3818C>A, p.Thr1273Lys (NM_001354230.2); c.3881C>A, p.Thr1294Lys (NM_001354231.2, NM_001354242.2); c.3875C>A, p.Thr1292Lys (NM_001354232.2); c.3836C>A, p.Thr1279Lys (NM_001354235.2, NM_001354246.2, NM_001354265.2); c.3737C>A, p.Thr1246Lys (NM_001354236.2); and 31 more; short protein forms T1119K, T1152K, T1180K, T1185K, T1193K, T1205K, T1209K, T1213K.
Identifiers: ClinVar variation 4072484 (VCV004072484.1).

ClinVar aggregate classification (germline): Uncertain significance (1 of 4 stars; one submission).

Submission:

GeneDx
Classification: Uncertain significance. Last evaluated: 2025-02-02. Review status: criteria provided, single submitter. Criteria: GeneDx Variant Classification Process June 2021. Collection method: clinical testing. Allele origin: germline. Affected: yes.
Comment: Not observed at significant frequency in large population cohorts (gnomAD); In silico analysis supports that this missense variant has a deleterious effect on protein structure/function; Has not been previously published as pathogenic or benign to our knowledge